The following is an entry in ClinVar:

ClinVar aggregate classification (germline): Uncertain significance. Review status: criteria provided, multiple submitters, no conflicts (2 of 4 stars). 2 submissions from 2 submitters: Uncertain significance (2). Last evaluated 2024-12-22.

Conditions:
Hereditary cancer-predisposing syndrome. Also called: Tumor predisposition; Neoplastic Syndromes, Hereditary; Hereditary Cancer Syndrome; Hereditary neoplastic syndrome. Identifiers: Orphanet 140162, MedGen C0027672, MeSH D009386, MONDO:0015356.
Neuroblastoma, susceptibility to, 3. Also called: ALK-Related Neuroblastic Tumor Susceptibility. Identifiers: Orphanet 635, MedGen C2751681, MONDO:0013083, OMIM 613014.

gnomAD v4.1: 12 of 1,613,788 alleles (0.00074%); highest among the groups gnomAD compares: Non-Finnish European, 0.00093%; no homozygotes.

Submissions (2):

Labcorp Genetics (formerly Invitae), Labcorp
Classification: Uncertain significance for Neuroblastoma, susceptibility to, 3. Last evaluated: 2024-12-22. Review status: criteria provided, single submitter. Criteria: Invitae Variant Classification Sherloc (09022015). Collection method: clinical testing. Allele origin: germline.
Comment: This sequence change replaces glycine, which is neutral and non-polar, with valine, which is neutral and non-polar, at codon 318 of the ALK protein (p.Gly318Val). This variant is present in population databases (rs770893847, gnomAD 0.0009%). This variant has not been reported in the literature in individuals affected with ALK-related conditions. ClinVar contains an entry for this variant (Variation ID: 2919595). An algorithm developed to predict the effect of missense changes on protein structure and function (PolyPhen-2) suggests that this variant is likely to be disruptive. In summary, the available evidence is currently insufficient to determine the role of this variant in disease. Therefore, it has been classified as a Variant of Uncertain Significance.

Ambry Genetics
Classification: Uncertain significance for Hereditary cancer-predisposing syndrome. Last evaluated: 2024-03-13. Review status: criteria provided, single submitter. Criteria: Ambry Variant Classification Scheme 2023. Collection method: clinical testing. Allele origin: germline.
Comment: The p.G318V variant (also known as c.953G>T) is located in coding exon 4 of the ALK gene. The glycine at codon 318 is replaced by valine, an amino acid with dissimilar properties. This change occurs in the first base pair of coding exon 4. This amino acid position is conserved. In addition, the in silico prediction for this alteration is inconclusive. Based on the available evidence, the clinical significance of this alteration remains unclear.

NM_004304.5(ALK):c.953G>T (p.Gly318Val)

Gene: ALK (ALK receptor tyrosine kinase; minus strand). Cytogenetic location: 2p23.2.
Variant type: single nucleotide variant.
Coding change: c.953G>T on transcript NM_004304.5 (MANE Select); coding-DNA position 953, G replaced by T.
Protein change: p.Gly318Val; replaces glycine 318 with valine.
Molecular consequence: missense variant.
Genome position (GRCh38, 1-based): chr2:29,532,116, C>A on the plus strand (G>T on the coding strand, the complement: ALK is on the minus strand). VCF-style: chr2-29532116-C-A. GRCh37 (hg19) VCF-style: chr2-29754982-C-A.
Other names: c.953G>T (NM_004304.4); short protein forms G318V.
Identifiers: ClinVar variation 2919595 (VCV002919595.4), dbSNP rs770893847, ClinGen allele CA1594790.